The following is an entry in ClinVar:

ClinVar aggregate classification (germline): Likely benign (1 of 4 stars; one submission).

Submission:

GeneDx
Classification: Likely benign. Last evaluated: 2022-02-10. Review status: criteria provided, single submitter. Criteria: GeneDx Variant Classification Process June 2021. Collection method: clinical testing. Allele origin: germline. Affected: yes.
Comment: See Variant Classification Assertion Criteria.

NC_000003.12:g.180679690A>T

Gene: CCDC39 (coiled-coil domain 39 molecular ruler complex subunit; minus strand). Cytogenetic location: 3q26.33.
Variant type: single nucleotide variant.
Genome position: GRCh38 VCF-style: chr3-180679690-A-T. GRCh37 (hg19) VCF-style: chr3-180397478-A-T.
Identifiers: ClinVar variation 3342394 (VCV003342394.1).